The following is an entry in ClinVar:

NM_001099403.2(PRDM8):c.877G>A (p.Gly293Ser)

Gene: PRDM8 (PR/SET domain 8; plus strand). Cytogenetic location: 4q21.21.
Variant type: single nucleotide variant.
Coding change: c.877G>A on transcript NM_001099403.2 (MANE Select); coding-DNA position 877, G replaced by A.
Protein change: p.Gly293Ser; replaces glycine 293 with serine.
Molecular consequence: missense variant.
Genome position (GRCh38, 1-based): chr4:80,202,339, G>A. VCF-style: chr4-80202339-G-A. GRCh37 (hg19) VCF-style: chr4-81123493-G-A.
Other names: c.877G>A, p.Gly293Ser (NM_020226.4); short protein forms G293S.
Identifiers: ClinVar variation 967146 (VCV000967146.10), dbSNP rs1738555644, ClinGen allele CA357395510.

ClinVar aggregate classification (germline): Uncertain significance. Review status: criteria provided, multiple submitters, no conflicts (2 of 4 stars). 2 submissions from 2 submitters: Uncertain significance (2). Last evaluated 2023-10-26.

Conditions:
Early-onset Lafora body disease. Also called: Epilepsy, progressive myoclonic, 10. Identifiers: Orphanet 324290, MedGen C4225258, MONDO:0014717, OMIM 616640.

Allele frequency attached by ClinVar (database versions not stated): gnomAD exomes 0.00001.

Submissions (2):

Ambry Genetics
Classification: Uncertain significance. Last evaluated: 2023-10-26. Review status: criteria provided, single submitter. Criteria: Ambry Variant Classification Scheme 2023. Collection method: clinical testing. Allele origin: germline.

Labcorp Genetics (formerly Invitae), Labcorp
Classification: Uncertain significance for Early-onset Lafora body disease. Last evaluated: 2019-10-26. Review status: criteria provided, single submitter. Criteria: Invitae Variant Classification Sherloc (09022015). Collection method: clinical testing. Allele origin: germline.
Comment: This variant is not present in population databases (ExAC no frequency). Algorithms developed to predict the effect of missense changes on protein structure and function output the following: SIFT: "Tolerated"; PolyPhen-2: "Benign"; Align-GVGD: "Class C0". The serine amino acid residue is found in multiple mammalian species, suggesting that this missense change does not adversely affect protein function. These predictions have not been confirmed by published functional studies and their clinical significance is uncertain. This variant has not been reported in the literature in individuals with PRDM8-related conditions. This sequence change replaces glycine with serine at codon 293 of the PRDM8 protein (p.Gly293Ser). The glycine residue is weakly conserved and there is a small physicochemical difference between glycine and serine. In summary, the available evidence is currently insufficient to determine the role of this variant in disease. Therefore, it has been classified as a Variant of Uncertain Significance.